The following is an entry in ClinVar:

NM_000494.4(COL17A1):c.152G>A (p.Arg51Gln)

Gene: COL17A1 (collagen type XVII alpha 1 chain; minus strand). Cytogenetic location: 10q25.1.
Variant type: single nucleotide variant.
Coding change: c.152G>A on transcript NM_000494.4 (MANE Select); coding-DNA position 152, G replaced by A.
Protein change: p.Arg51Gln; replaces arginine 51 with glutamine.
Molecular consequence: missense variant.
Genome position (GRCh38, 1-based): chr10:104,077,472, C>T on the plus strand (G>A on the coding strand, the complement: COL17A1 is on the minus strand). VCF-style: chr10-104077472-C-T. GRCh37 (hg19) VCF-style: chr10-105837230-C-T.
Other names: c.152G>A (NM_000494.3); short protein forms R51Q.
Identifiers: ClinVar variation 1356995 (VCV001356995.6), dbSNP rs368882418, ClinGen allele CA5679546.
Genomic context (GRCh38, chr10:104,077,472, plus strand): 5'-GGGCACTCACTTGAGTTTATGTAGCCGCTGCTGCCATGAGTCAGGCTTTGTTTCTCCAGC[C>T]GGCTCCCTCCACCAAGAGAGGCTGTTTTAGCATAGCCATTGCTGGTCCCGCCTTCTGCCA-3'
Protein context (NP_000485.3, residues 41-61): AKTASLGGGS[Arg51Gln]LEKQSLTHGS

ClinVar aggregate classification (germline): Uncertain significance. Review status: criteria provided, multiple submitters, no conflicts (2 of 4 stars). 2 submissions from 2 submitters: Uncertain significance (2). Last evaluated 2024-02-24.

Conditions:
Inborn genetic diseases. Identifiers: MedGen C0950123, MeSH D030342.

Allele frequency attached by ClinVar (database versions not stated): gnomAD exomes 0.00001; ExAC 0.00003; TOPMed 0.00003; gnomAD 0.00004; ESP Exome Variant Server 0.00008.
gnomAD v4.1: 17 of 1,613,366 alleles (0.0011%); highest among the groups gnomAD compares: African/African-American, 0.008%; no homozygotes.

Submissions (2):

Labcorp Genetics (formerly Invitae), Labcorp
Classification: Uncertain significance. Last evaluated: 2024-02-24. Review status: criteria provided, single submitter. Criteria: Invitae Variant Classification Sherloc (09022015). Collection method: clinical testing. Allele origin: germline.
Comment: This sequence change replaces arginine, which is basic and polar, with glutamine, which is neutral and polar, at codon 51 of the COL17A1 protein (p.Arg51Gln). This variant is present in population databases (rs368882418, gnomAD 0.01%). This variant has not been reported in the literature in individuals affected with COL17A1-related conditions. ClinVar contains an entry for this variant (Variation ID: 1356995). Advanced modeling of protein sequence and biophysical properties (such as structural, functional, and spatial information, amino acid conservation, physicochemical variation, residue mobility, and thermodynamic stability) performed at Invitae indicates that this missense variant is not expected to disrupt COL17A1 protein function with a negative predictive value of 80%. In summary, the available evidence is currently insufficient to determine the role of this variant in disease. Therefore, it has been classified as a Variant of Uncertain Significance.

Ambry Genetics
Classification: Uncertain significance for Inborn genetic diseases. Last evaluated: 2024-02-06. Review status: criteria provided, single submitter. Criteria: Ambry Variant Classification Scheme 2023. Collection method: clinical testing. Allele origin: germline.